The following is an entry in ClinVar:

ClinVar aggregate classification (germline): Uncertain significance. Review status: criteria provided, multiple submitters, no conflicts (2 of 4 stars). 2 submissions from 2 submitters: Uncertain significance (2). Last evaluated 2021-02-23.

Conditions:
Hereditary cancer-predisposing syndrome. Also called: Neoplastic Syndromes, Hereditary; Tumor predisposition; Hereditary Cancer Syndrome; Hereditary neoplastic syndrome. Identifiers: Orphanet 140162, MedGen C0027672, MeSH D009386, MONDO:0015356.
Ataxia-telangiectasia syndrome (AT). Also called: Ataxia telangiectasia (A-T); ATAXIA-TELANGIECTASIA, COMPLEMENTATION GROUP A; ATAXIA-TELANGIECTASIA, FRESNO VARIANT; Ataxia-telangiectasia; Ataxia-telangiectasia, complementation group E; LOUIS-BAR SYNDROME. Identifiers: Orphanet 100, MedGen C0004135, MONDO:0008840, OMIM 208900.

Submissions (2):

Ambry Genetics
Classification: Uncertain significance for Hereditary cancer-predisposing syndrome. Last evaluated: 2021-02-23. Review status: criteria provided, single submitter. Criteria: Ambry Variant Classification Scheme 2023. Collection method: clinical testing. Allele origin: germline.
Comment: The p.T2333R variant (also known as c.6998C>G), located in coding exon 47 of the ATM gene, results from a C to G substitution at nucleotide position 6998. The threonine at codon 2333 is replaced by arginine, an amino acid with similar properties. This amino acid position is poorly conserved in available vertebrate species. In addition, this alteration is predicted to be tolerated by in silico analysis. Since supporting evidence is limited at this time, the clinical significance of this alteration remains unclear.

Labcorp Genetics (formerly Invitae), Labcorp
Classification: Uncertain significance for Ataxia-telangiectasia syndrome. Last evaluated: 2020-06-16. Review status: criteria provided, single submitter. Criteria: Invitae Variant Classification Sherloc (09022015). Collection method: clinical testing. Allele origin: germline.
Comment: In summary, the available evidence is currently insufficient to determine the role of this variant in disease. Therefore, it has been classified as a Variant of Uncertain Significance. Algorithms developed to predict the effect of missense changes on protein structure and function are either unavailable or do not agree on the potential impact of this missense change (SIFT: "Deleterious"; PolyPhen-2: "Benign"; Align-GVGD: "Class C0"). This variant has not been reported in the literature in individuals with ATM-related conditions. This variant is not present in population databases (ExAC no frequency). This sequence change replaces threonine with arginine at codon 2333 of the ATM protein (p.Thr2333Arg). The threonine residue is weakly conserved and there is a moderate physicochemical difference between threonine and arginine.

NM_000051.4(ATM):c.6998C>G (p.Thr2333Arg)

Genes: ATM (ATM serine/threonine kinase; plus strand), C11orf65 (chromosome 11 open reading frame 65; minus strand). Cytogenetic location: 11q22.3.
Variant type: single nucleotide variant.
Coding change: c.6998C>G on transcript NM_000051.4 (MANE Select); coding-DNA position 6998, C replaced by G.
Protein change: p.Thr2333Arg; replaces threonine 2333 with arginine.
Molecular consequence: missense variant. On other transcripts: intron variant (2).
Genome position (GRCh38, 1-based): chr11:108,327,667, C>G. VCF-style: chr11-108327667-C-G. GRCh37 (hg19) VCF-style: chr11-108198394-C-G.
Other names: c.6998C>G, p.Thr2333Arg (NM_001351834.2); c.641-18596G>C (NM_001330368.2); c.*38+7553G>C (NM_001351110.2); short protein forms T2333R.
Identifiers: ClinVar variation 1020977 (VCV001020977.11), dbSNP rs150503164, ClinGen allele CA382558646.